The following is an entry in ClinVar:

ClinVar aggregate classification (germline): Benign. Review status: criteria provided, multiple submitters, no conflicts (2 of 4 stars). 4 submissions from 4 submitters: Benign (4). Last evaluated 2026-02-03.

Conditions:
Spastic paraplegia. Identifiers: MedGen C0037772, HP:0001258.

Allele frequency attached by ClinVar (database versions not stated): TOPMed 0.14764; 1000 Genomes Project 30x 0.14772; 1000 Genomes Project 0.14936; gnomAD 0.15387 and 0.15414; ExAC 0.15693; ESP Exome Variant Server 0.16262.
gnomAD v4.1: 248,611 of 1,614,014 alleles (15%); highest among the groups gnomAD compares: South Asian, 23%; 20,004 homozygotes.

Submissions (4):

Labcorp Genetics (formerly Invitae), Labcorp
Classification: Benign for Spastic paraplegia. Last evaluated: 2026-02-03. Review status: criteria provided, single submitter. Criteria: Invitae Variant Classification Sherloc (09022015). Collection method: clinical testing. Allele origin: germline.

Mayo Clinic Laboratories, Mayo Clinic
Classification: Benign. Last evaluated: 2016-04-07. Review status: criteria provided, single submitter. Criteria: ACMG Guidelines, 2015. Collection method: clinical testing. Allele origin: germline. Observed: 506 variant alleles.

GeneDx
Classification: Benign. Last evaluated: 2016-01-22. Review status: criteria provided, single submitter. Criteria: GeneDx Variant Classification (06012015). Collection method: clinical testing. Allele origin: germline. Affected: yes.
Comment: This variant is considered likely benign or benign based on one or more of the following criteria: it is a conservative change, it occurs at a poorly conserved position in the protein, it is predicted to be benign by multiple in silico algorithms, and/or has population frequency not consistent with disease.

Breakthrough Genomics
Classification: Benign. Review status: criteria provided, single submitter. Criteria: ACMG Guidelines, 2015. Collection method: not provided. Allele origin: germline. Inheritance: Autosomal dominant inheritance. Affected: yes.

NM_005619.5(RTN2):c.79+7G>T

Genes: OPA3-RTN2 (OPA3-RTN2 readthrough; minus strand), RTN2 (reticulon 2; minus strand). Cytogenetic location: 19q13.32.
Variant type: single nucleotide variant.
Coding change: c.79+7G>T on transcript NM_005619.5 (MANE Select); 7 bases into the intron after coding-DNA position 79, G replaced by T.
Molecular consequence: intron variant.
Genome position (GRCh38, 1-based): chr19:45,495,088, C>A on the plus strand (G>T on the coding strand, the complement: RTN2 is on the minus strand). VCF-style: chr19-45495088-C-A. GRCh37 (hg19) VCF-style: chr19-45998346-C-A.
Other names: p.?; c.79+7G>T (NM_206900.3).
Identifiers: ClinVar variation 380867 (VCV000380867.12), dbSNP rs2298887, ClinGen allele CA9516355.